The following is an entry in ClinVar:

NM_144670.6(A2ML1):c.1150A>C (p.Asn384His)

Gene: A2ML1 (alpha-2-macroglobulin like 1; plus strand). Cytogenetic location: 12p13.31.
Variant type: single nucleotide variant.
Coding change: c.1150A>C on transcript NM_144670.6 (MANE Select); coding-DNA position 1150, A replaced by C.
Protein change: p.Asn384His; replaces asparagine 384 with histidine.
Molecular consequence: missense variant.
Genome position (GRCh38, 1-based): chr12:8,841,438, A>C. VCF-style: chr12-8841438-A-C. GRCh37 (hg19) VCF-style: chr12-8994034-A-C.
Other names: short protein forms N384H.
Identifiers: ClinVar variation 3229184 (VCV003229184.1), dbSNP rs2539220104, ClinGen allele CA383824604.

ClinVar aggregate classification (germline): Uncertain significance (1 of 4 stars; one submission).

Allele frequency attached by ClinVar (database versions not stated): gnomAD exomes below 0.00001.
gnomAD v4.1: 3 of 1,614,126 alleles (0.00019%); highest among the groups gnomAD compares: African/African-American, 0.0013%; no homozygotes.

Submission:

Ambry Genetics
Classification: Uncertain significance. Last evaluated: 2024-02-01. Review status: criteria provided, single submitter. Criteria: Ambry Variant Classification Scheme 2023. Collection method: clinical testing. Allele origin: germline.
Comment: The p.N384H variant (also known as c.1150A>C), located in coding exon 11 of the A2ML1 gene, results from an A to C substitution at nucleotide position 1150. The asparagine at codon 384 is replaced by histidine, an amino acid with similar properties. This amino acid position is conserved. In addition, this alteration is predicted to be tolerated by in silico analysis. Based on the available evidence, the clinical significance of this alteration remains unclear.